The following is an entry in ClinVar:

NM_000540.3(RYR1):c.5606A>T (p.Glu1869Val)

Gene: RYR1 (ryanodine receptor 1; plus strand). Cytogenetic location: 19q13.2.
Variant type: single nucleotide variant.
Coding change: c.5606A>T on transcript NM_000540.3 (MANE Select); coding-DNA position 5606, A replaced by T.
Protein change: p.Glu1869Val; replaces glutamic acid 1869 with valine.
Molecular consequence: missense variant.
Genome position (GRCh38, 1-based): chr19:38,489,235, A>T. VCF-style: chr19-38489235-A-T. GRCh37 (hg19) VCF-style: chr19-38979875-A-T.
Other names: c.5606A>T, p.Glu1869Val (NM_001042723.2); short protein forms E1869V.
Identifiers: ClinVar variation 1507478 (VCV001507478.9), dbSNP rs754094372, ClinGen allele CA067308.
Genomic context (GRCh38, chr19:38,489,235, plus strand): 5'-AGGTGATGGGCATCTTTGGCGATGAGGATGTGAAACAGATCTTGAAGATGATTGAGCCTG[A>T]GGTCTTCACTGAGGAAGAAGAGGAGGAGGACGAGGAGGAAGAGGGTGAAGAGGAAGATGA-3'
Protein context (NP_000531.2, residues 1859-1879): VKQILKMIEP[Glu1869Val]VFTEEEEEED

ClinVar aggregate classification (germline): Uncertain significance. Review status: criteria provided, multiple submitters, no conflicts (2 of 4 stars). 3 submissions from 3 submitters: Uncertain significance (3). Last evaluated 2024-04-16.

Conditions:
RYR1-related disorder. Also called: RYR1-related disorders; RYR1-related condition. Identifiers: MedGen CN239331.
Malignant hyperthermia, susceptibility to, 1 (MHS1). Also called: RYR1-Related Malignant Hyperthermia Susceptibility; Malignant hyperthermia suceptibility 1; Anesthesia related hyperthermia; Malignant hyperpyrexia; Fulminating hyperpyrexia; Pharmacogenic myopathy. Identifiers: Orphanet 423, MedGen C2930980, MONDO:0007783, OMIM 145600.

Allele frequency attached by ClinVar (database versions not stated): gnomAD exomes below 0.00001 and 0.00001; ExAC 0.00002.
gnomAD v4.1: 5 of 1,613,830 alleles (0.00031%); highest among the groups gnomAD compares: South Asian, 0.0033%; no homozygotes.

Submissions (3):

All of Us Research Program, National Institutes of Health
Classification: Uncertain significance for Malignant hyperthermia, susceptibility to, 1. Last evaluated: 2024-04-16. Review status: criteria provided, single submitter. Criteria: ACMG Guidelines, 2015. Collection method: clinical testing. Allele origin: germline. Inheritance: Autosomal dominant inheritance. Observed: 1 variant allele, 1 heterozygote.
Comment: This missense variant replaces glutamic acid with valine at codon 1869 of the RYR1 protein. Computational prediction suggests that this variant may not impact protein structure and function (internally defined REVEL score threshold <= 0.5, PMID: 27666373). To our knowledge, functional studies have not been reported for this variant. This variant has not been reported in individuals affected with RYR1-related disorders in the literature. This variant has been identified in 3/248836 chromosomes in the general population by the Genome Aggregation Database (gnomAD). The available evidence is insufficient to determine the role of this variant in disease conclusively. Therefore, this variant is classified as a Variant of Uncertain Significance.

This study involves interpretation of variants in research participants for the purpose of population health screening. Participant phenotype was not available at the time of variant classification. Additional details can be found in publication PMID: 35346344, PMCID: PMC8962531

Revvity Omics, Revvity
Classification: Uncertain significance. Last evaluated: 2023-09-22. Review status: criteria provided, single submitter. Criteria: ACMG Guidelines, 2015. Collection method: clinical testing. Allele origin: germline.

Labcorp Genetics (formerly Invitae), Labcorp
Classification: Uncertain significance for RYR1-related disorder. Last evaluated: 2022-01-12. Review status: criteria provided, single submitter. Criteria: Invitae Variant Classification Sherloc (09022015). Collection method: clinical testing. Allele origin: germline.
Comment: Advanced modeling of protein sequence and biophysical properties (such as structural, functional, and spatial information, amino acid conservation, physicochemical variation, residue mobility, and thermodynamic stability) performed at Invitae indicates that this missense variant is not expected to disrupt RYR1 protein function. This variant has not been reported in the literature in individuals affected with RYR1-related conditions. This variant is present in population databases (rs754094372, gnomAD 0.01%). This sequence change replaces glutamic acid, which is acidic and polar, with valine, which is neutral and non-polar, at codon 1869 of the RYR1 protein (p.Glu1869Val). In summary, the available evidence is currently insufficient to determine the role of this variant in disease. Therefore, it has been classified as a Variant of Uncertain Significance.